The following is an entry in ClinVar:

ClinVar aggregate classification (germline): Uncertain significance (1 of 4 stars; one submission).

Conditions:
Kleefstra syndrome 1 (KLEFS1). Identifiers: Orphanet 261494, MedGen C0795833, MONDO:0027407, OMIM 610253.

Allele frequency attached by ClinVar (database versions not stated): gnomAD exomes below 0.00001.

Submission:

Labcorp Genetics (formerly Invitae), Labcorp
Classification: Uncertain significance for Kleefstra syndrome 1. Last evaluated: 2020-07-13. Review status: criteria provided, single submitter. Criteria: Invitae Variant Classification Sherloc (09022015). Collection method: clinical testing. Allele origin: germline.
Comment: In summary, the available evidence is currently insufficient to determine the role of this variant in disease. Therefore, it has been classified as a Variant of Uncertain Significance. Algorithms developed to predict the effect of missense changes on protein structure and function (SIFT, PolyPhen-2, Align-GVGD) all suggest that this variant is likely to be tolerated, but these predictions have not been confirmed by published functional studies and their clinical significance is uncertain. This variant has not been reported in the literature in individuals with EHMT1-related conditions. ClinVar contains an entry for this variant (Variation ID: 366014). This variant is not present in population databases (ExAC no frequency). This sequence change replaces alanine with threonine at codon 723 of the EHMT1 protein (p.Ala723Thr). The alanine residue is highly conserved and there is a small physicochemical difference between alanine and threonine.

NM_024757.5(EHMT1):c.2167G>A (p.Ala723Thr)

Gene: EHMT1 (euchromatic histone lysine methyltransferase 1; plus strand). Cytogenetic location: 9q34.3.
Variant type: single nucleotide variant.
Coding change: c.2167G>A on transcript NM_024757.5 (MANE Select); coding-DNA position 2167, G replaced by A.
Protein change: p.Ala723Thr; replaces alanine 723 with threonine.
Molecular consequence: missense variant.
Genome position (GRCh38, 1-based): chr9:137,778,030, G>A. VCF-style: chr9-137778030-G-A. GRCh37 (hg19) VCF-style: chr9-140672482-G-A.
Other names: c.2167G>A, p.Ala723Thr (NM_001145527.2); c.2074G>A, p.Ala692Thr (NM_001354259.2); c.2146G>A, p.Ala716Thr (NM_001354263.2); short protein forms A723T, A692T, A716T.
Identifiers: ClinVar variation 366014 (VCV000366014.10), dbSNP rs886063736, ClinGen allele CA10633343.